The following is an entry in ClinVar:

NM_020937.4(FANCM):c.4957A>G (p.Met1653Val)

Gene: FANCM (FA complementation group M; plus strand). Cytogenetic location: 14q21.2.
Variant type: single nucleotide variant.
Coding change: c.4957A>G on transcript NM_020937.4 (MANE Select); coding-DNA position 4957, A replaced by G.
Protein change: p.Met1653Val; replaces methionine 1653 with valine.
Molecular consequence: missense variant.
Genome position (GRCh38, 1-based): chr14:45,188,979, A>G. VCF-style: chr14-45188979-A-G. GRCh37 (hg19) VCF-style: chr14-45658182-A-G.
Other names: c.4879A>G, p.Met1627Val (NM_001308133.2); short protein forms M1627V, M1653V.
Identifiers: ClinVar variation 3848567 (VCV003848567.1).

ClinVar aggregate classification (germline): Uncertain significance (1 of 4 stars; one submission).

Conditions:
Inborn genetic diseases. Identifiers: MedGen C0950123, MeSH D030342.

Submission:

Ambry Genetics
Classification: Uncertain significance for Inborn genetic diseases. Last evaluated: 2025-01-02. Review status: criteria provided, single submitter. Criteria: Ambry Variant Classification Scheme 2023. Collection method: clinical testing. Allele origin: germline.
Comment: The p.M1653V variant (also known as c.4957A>G), located in coding exon 20 of the FANCM gene, results from an A to G substitution at nucleotide position 4957. The methionine at codon 1653 is replaced by valine, an amino acid with highly similar properties. This amino acid position is conserved. In addition, this alteration is predicted to be tolerated by in silico analysis. Based on the available evidence, the clinical significance of this variant remains unclear.